The following is an entry in ClinVar:

ClinVar aggregate classification (germline): Uncertain significance (1 of 4 stars; one submission).

Conditions:
Neurofibromatosis, type 1 (NF1). Also called: VON RECKLINGHAUSEN DISEASE; NEUROFIBROMATOSIS, TYPE I, SOMATIC; Peripheral type neurofibromatosis; Neurofibromatosis, type I. Identifiers: Orphanet 636, MedGen C0027831, MONDO:0018975, OMIM 162200. Disease mechanism: loss of function.

Submission:

Labcorp Genetics (formerly Invitae), Labcorp
Classification: Uncertain significance for Neurofibromatosis, type 1. Last evaluated: 2015-12-31. Review status: criteria provided, single submitter. Criteria: Invitae Variant Classification Sherloc (09022015). Collection method: clinical testing. Allele origin: germline.
Comment: This variant is not present in population databases (ExAC no frequency) and has not been reported in the literature in individuals with a NF1-related disease. In summary, this is a novel missense change with uncertain impact on protein function. It has been classified as a Variant of Uncertain Significance. Algorithms developed to predict the effect of missense changes on protein structure and function do not agree on the potential impact of this missense change (SIFT: "Deleterious"; PolyPhen-2: "Probably Damaging"; Align-GVGD: "Class C0"). This sequence change replaces glycine with valine at codon 1980 of the NF1 protein (p.Gly1980Val). The glycine residue is moderately conserved and there is a moderate physicochemical difference between glycine and valine.

NM_001042492.3(NF1):c.6002G>T (p.Gly2001Val)

Gene: NF1 (neurofibromin 1; plus strand). Cytogenetic location: 17q11.2.
Variant type: single nucleotide variant.
Coding change: c.6002G>T on transcript NM_001042492.3 (MANE Select); coding-DNA position 6002, G replaced by T.
Protein change: p.Gly2001Val; replaces glycine 2001 with valine.
Molecular consequence: missense variant.
Genome position (GRCh38, 1-based): chr17:31,335,027, G>T. VCF-style: chr17-31335027-G-T. GRCh37 (hg19) VCF-style: chr17-29662045-G-T.
Other names: c.5939G>T, p.Gly1980Val (NM_000267.4); short protein forms G1980V, G2001V.
Identifiers: ClinVar variation 237579 (VCV000237579.5), dbSNP rs878853905, ClinGen allele CA10583515.
Genomic context (GRCh38, chr17:31,335,027, plus strand): 5'-TGACCATCAATGAAAAACAGATGTACCCATCTATTCAAGCAAAAATATGGGGAAGCCTTG[G>T]GCAGGTATTGAGTTTGCTCAAATATTTATCTAGTATCTCCTTTGTGCACATATTTATCTG-3'
Protein context (NP_001035957.1, residues 1991-2011): SIQAKIWGSL[Gly2001Val]QITDLLDVVL